The following is an entry in ClinVar:

ClinVar aggregate classification (germline): Uncertain significance (1 of 4 stars; one submission).

Conditions:
Episodic ataxia type 2 (EA2). Also called: CEREBELLAR ATAXIA, PAROXYSMAL, ACETAZOLAMIDE-RESPONSIVE; CEREBELLOPATHY, HEREDITARY PAROXYSMAL; EPISODIC ATAXIA, NYSTAGMUS-ASSOCIATED; ACETAZOLAMIDE-RESPONSIVE HEREDITARY PAROXYSMAL CEREBELLAR ATAXIA; ATAXIA, EPISODIC, WITH NYSTAGMUS; ATAXIA, FAMILIAL PAROXYSMAL. Identifiers: Orphanet 97, MedGen C1720416, MONDO:0007163, OMIM 108500.
Developmental and epileptic encephalopathy, 42 (DEE42A). Also called: Epileptic encephalopathy, early infantile, 42; DEVELOPMENTAL AND EPILEPTIC ENCEPHALOPATHY 42A; EPILEPTIC ENCEPHALOPATHY, EARLY INFANTILE, 42A. Identifiers: MedGen C4310716, MONDO:0014917, OMIM 617106.

Submission:

Labcorp Genetics (formerly Invitae), Labcorp
Classification: Uncertain significance for Developmental and epileptic encephalopathy, 42; Episodic ataxia type 2. Last evaluated: 2023-02-14. Review status: criteria provided, single submitter. Criteria: Invitae Variant Classification Sherloc (09022015). Collection method: clinical testing. Allele origin: germline.
Comment: This variant is not present in population databases (gnomAD no frequency). This sequence change replaces lysine, which is basic and polar, with arginine, which is basic and polar, at codon 817 of the CACNA1A protein (p.Lys817Arg). This variant has not been reported in the literature in individuals affected with CACNA1A-related conditions. Advanced modeling of protein sequence and biophysical properties (such as structural, functional, and spatial information, amino acid conservation, physicochemical variation, residue mobility, and thermodynamic stability) performed at Invitae indicates that this missense variant is not expected to disrupt CACNA1A protein function. In summary, the available evidence is currently insufficient to determine the role of this variant in disease. Therefore, it has been classified as a Variant of Uncertain Significance.

NM_001127222.2(CACNA1A):c.2447A>G (p.Lys816Arg)

Gene: CACNA1A (calcium voltage-gated channel subunit alpha1 A; minus strand). Cytogenetic location: 19p13.13.
Variant type: single nucleotide variant.
Coding change: c.2447A>G on transcript NM_001127222.2 (MANE Select); coding-DNA position 2447, A replaced by G.
Protein change: p.Lys816Arg; replaces lysine 816 with arginine.
Molecular consequence: missense variant.
Genome position (GRCh38, 1-based): chr19:13,299,186, T>C on the plus strand (A>G on the coding strand, the complement: CACNA1A is on the minus strand). VCF-style: chr19-13299186-T-C. GRCh37 (hg19) VCF-style: chr19-13410000-T-C.
Other names: c.2459A>G, p.Lys820Arg (NM_000068.4, NM_023035.3); c.2450A>G, p.Lys817Arg (NM_001127221.2, NM_001174080.2); short protein forms K816R, K817R, K820R.
Identifiers: ClinVar variation 2932302 (VCV002932302.3), dbSNP rs2512910015, ClinGen allele CA404343435.